The following is an entry in ClinVar:

NM_000155.4(GALT):c.947G>A (p.Trp316Ter)

Gene: GALT (galactose-1-phosphate uridylyltransferase; plus strand). Cytogenetic location: 9p13.3.
Variant type: single nucleotide variant.
Coding change: c.947G>A on transcript NM_000155.4 (MANE Select); coding-DNA position 947, G replaced by A.
Protein change: p.Trp316Ter; replaces tryptophan 316 with a stop codon.
Molecular consequence: nonsense.
Genome position (GRCh38, 1-based): chr9:34,649,452, G>A. VCF-style: chr9-34649452-G-A. GRCh37 (hg19) VCF-style: chr9-34649449-G-A.
Other names: p.Trp316*; c.620G>A, p.Trp207Ter (NM_001258332.2); short protein forms W316*, W207*.
Identifiers: ClinVar variation 25291 (VCV000025291.21), dbSNP rs111033790, ClinGen allele CA259533.

ClinVar aggregate classification (germline): Pathogenic. Review status: criteria provided, multiple submitters, no conflicts (2 of 4 stars). 7 submissions from 7 submitters: Pathogenic (6). 1 of the submissions does not count toward it. Last evaluated 2025-07-10.

Conditions:
Galactosemia. Also called: Galactose intolerance. Identifiers: Orphanet 352, MedGen C0016952, MONDO:0018116, HP:0004919. Disease mechanism: loss of function.
Deficiency of UDPglucose-hexose-1-phosphate uridylyltransferase. Also called: GALACTOSE-1-PHOSPHATE URIDYLYLTRANSFERASE DEFICIENCY; GALT deficiency; Galactosemia, classic; Transferase Deficiency Galactosemia; GALACTOSEMIA I. Identifiers: Orphanet 352, Orphanet 79239, MedGen C0268151, MONDO:0009258, OMIM 230400.

Allele frequency attached by ClinVar (database versions not stated): gnomAD exomes below 0.00001; TOPMed 0.00001; gnomAD 0.00001.

Submissions (7):

Natera, Inc.
Classification: Pathogenic for Galactosemia. Last evaluated: 2025-07-10. Review status: criteria provided, single submitter. Criteria: Natera Variant Classification Schema (03/2026). Collection method: clinical testing. Allele origin: germline.
Comment: The c.947G>A variant in GALT is a nonsense variant predicted to introduce a stop codon at amino acid 316. This variant is expected to result in nonsense mediated decay, truncation, or a dysfunctional protein product. This variant is rare in the general population with a frequency below the threshold expected for the associated phenotype(s). This variant has been observed in one or more individuals affected with the associated recessive disease, as either homozygous or compound heterozygous with a second variant (PMID: 31845337). Additionally, this variant has been observed to segregate in affected family members (PMID: 31845337). Given the available evidence, this variant is classified as Pathogenic.

Mayo Clinic Laboratories, Mayo Clinic
Classification: Pathogenic. Last evaluated: 2025-02-10. Review status: criteria provided, single submitter. Criteria: ACMG Guidelines, 2015. Collection method: clinical testing. Allele origin: germline. Observed: 1 variant allele.
Comment: PP1, PM2_supporting, PM3, PVS1

Fulgent Genetics
Classification: Pathogenic for Deficiency of UDPglucose-hexose-1-phosphate uridylyltransferase. Last evaluated: 2024-05-09. Review status: criteria provided, single submitter. Criteria: ACMG Guidelines, 2015. Collection method: clinical testing. Allele origin: germline.

Labcorp Genetics (formerly Invitae), Labcorp
Classification: Pathogenic for Deficiency of UDPglucose-hexose-1-phosphate uridylyltransferase. Last evaluated: 2023-09-17. Review status: criteria provided, single submitter. Criteria: Invitae Variant Classification Sherloc (09022015). Collection method: clinical testing. Allele origin: germline.
Comment: For these reasons, this variant has been classified as Pathogenic. ClinVar contains an entry for this variant (Variation ID: 25291). This premature translational stop signal has been observed in individual(s) with galactosemia (PMID: 8598637). This variant is not present in population databases (gnomAD no frequency). This sequence change creates a premature translational stop signal (p.Trp316*) in the GALT gene. It is expected to result in an absent or disrupted protein product. Loss-of-function variants in GALT are known to be pathogenic (PMID: 22944367).

Women's Health and Genetics/Laboratory Corporation of America, LabCorp
Classification: Pathogenic for Galactosemia. Last evaluated: 2011-08-18. Review status: criteria provided, single submitter. Criteria: LabCorp Variant Classification Summary - May 2015. Collection method: curation, clinical testing. Allele origin: germline. Inheritance: autosomal recessive. Affected: yes. Observed: 4 variant alleles.
ClinVar note: Converted during submission from pathogenic to Pathogenic.

Baylor Genetics
Classification: Pathogenic for Deficiency of UDPglucose-hexose-1-phosphate uridylyltransferase. Review status: criteria provided, single submitter. Criteria: ACMG Guidelines, 2015. Collection method: clinical testing. Allele origin: germline.

Counsyl
Classification: Likely pathogenic for Deficiency of UDPglucose-hexose-1-phosphate uridylyltransferase. Last evaluated: 2014-05-22. Review status: no assertion criteria provided. Collection method: literature only. Allele origin: unknown. Inheritance: Autosomal recessive inheritance. Not counted in ClinVar's aggregate classification.

Literature cited by the submitters: PubMed 31845337 (cited by Natera, Inc. and Mayo Clinic Laboratories, Mayo Clinic); PubMed 10384398 (cited by Mayo Clinic Laboratories, Mayo Clinic and Women's Health and Genetics/Laboratory Corporation of America, LabCorp); PubMed 10408771 (cited by Mayo Clinic Laboratories, Mayo Clinic and Women's Health and Genetics/Laboratory Corporation of America, LabCorp); PubMed 15841485 (cited by Mayo Clinic Laboratories, Mayo Clinic and Counsyl); PubMed 22944367 (cited by Mayo Clinic Laboratories, Mayo Clinic and Labcorp Genetics (formerly Invitae), Labcorp); PubMed 28065439 (cited by Mayo Clinic Laboratories, Mayo Clinic); PubMed 30172461 (cited by Mayo Clinic Laboratories, Mayo Clinic); PubMed 32954279 (cited by Mayo Clinic Laboratories, Mayo Clinic); PubMed 8598637 (cited by 4 submitters); PubMed 8892021 (cited by 3 submitters); PubMed 9766850 (cited by Mayo Clinic Laboratories, Mayo Clinic and Women's Health and Genetics/Laboratory Corporation of America, LabCorp); PubMed 9686364 (cited by Women's Health and Genetics/Laboratory Corporation of America, LabCorp).